The following is an entry in ClinVar:

NM_013975.4(LIG3):c.2367C>T (p.Phe789=)

Gene: LIG3 (DNA ligase 3; plus strand). Cytogenetic location: 17q12.
Variant type: single nucleotide variant.
Coding change: c.2367C>T on transcript NM_013975.4 (MANE Select); coding-DNA position 2367, C replaced by T.
Protein change: p.Phe789=; no amino-acid change (phenylalanine 789 retained).
Molecular consequence: synonymous variant.
Genome position (GRCh38, 1-based): chr17:35,001,292, C>T. VCF-style: chr17-35001292-C-T. GRCh37 (hg19) VCF-style: chr17-33328311-C-T.
Other names: c.2367C>T, p.Phe789= (NM_002311.5).
Identifiers: ClinVar variation 496416 (VCV000496416.2), dbSNP rs114522796, ClinGen allele CA8498648.

ClinVar aggregate classification (germline): Benign. Review status: criteria provided, multiple submitters, no conflicts (2 of 4 stars). 2 submissions from 2 submitters: Benign (2). Last evaluated 2016-02-23.

Allele frequency attached by ClinVar (database versions not stated): gnomAD exomes 0.00052 and 0.00142; ExAC 0.00166; 1000 Genomes Project 0.00519; gnomAD 0.00525 and 0.00569; ESP Exome Variant Server 0.00561; 1000 Genomes Project 30x 0.00562; TOPMed 0.00566.

Submissions (2):

Women's Health and Genetics/Laboratory Corporation of America, LabCorp
Classification: Benign. Last evaluated: 2016-02-23. Review status: criteria provided, single submitter. Criteria: LabCorp Variant Classification Summary - May 2015. Collection method: clinical testing. Allele origin: germline.
Comment: Variant summary: The LIG3 c.2367C>T variant affects a conserved nucleotide, resulting in no amino acid change. Mutation Taster predicts a damaging outcome for this variant. 4/5 Alamut algorithms predict no change to splicing. This variant is found in 202/121340 control chromosomes (3 homozygotes) at a frequency of 0.0016647, which is about 166 times of maximal expected frequency of a pathogenic LIG3 allele (0.00001), suggesting this variant is benign. The variant of interest has not, to our knowledge, been reported in affected individuals via publications and/or reputable databases/clinical laboratories; nor evaluated for functional impact by in vivo/vitro studies. Taken together, this variant was classified as benign.

Breakthrough Genomics
Classification: Benign. Review status: criteria provided, single submitter. Criteria: ACMG Guidelines, 2015. Collection method: not provided. Allele origin: germline. Inheritance: Autosomal recessive inheritance. Affected: yes.